The following is an entry in ClinVar:

NM_002458.3(MUC5B):c.1974C>T (p.Ser658=)

Gene: MUC5B (mucin 5B, oligomeric mucus/gel-forming; plus strand). Cytogenetic location: 11p15.5.
Variant type: single nucleotide variant.
Coding change: c.1974C>T on transcript NM_002458.3 (MANE Select); coding-DNA position 1974, C replaced by T.
Protein change: p.Ser658=; no amino-acid change (serine 658 retained).
Molecular consequence: synonymous variant.
Genome position (GRCh38, 1-based): chr11:1,232,679, C>T. VCF-style: chr11-1232679-C-T. GRCh37 (hg19) VCF-style: chr11-1253909-C-T.
Identifiers: ClinVar variation 3257672 (VCV003257672.17).

ClinVar aggregate classification (germline): Likely benign (1 of 4 stars; one submission).

gnomAD v4.1: 5 of 1,600,170 alleles (0.00031%); highest among the groups gnomAD compares: South Asian, 0.0022%; no homozygotes.

Submission:

CeGaT Center for Human Genetics Tuebingen
Classification: Likely benign. Last evaluated: 2024-07-01. Review status: criteria provided, single submitter. Criteria: CeGaT Center For Human Genetics Tuebingen Variant Classification Criteria Version 2. Collection method: clinical testing. Allele origin: germline. Affected: yes. Observed: 1 variant allele.
Comment: MUC5B: BP4, BP7